The following is an entry in ClinVar:

ClinVar aggregate classification (germline): Likely benign. Review status: reviewed by expert panel (3 of 4 stars). 7 submissions from 7 submitters: Likely benign (1). 6 of the submissions do not count toward it. Last evaluated 2017-06-29.

Conditions:
Hereditary cancer-predisposing syndrome. Also called: Tumor predisposition; Hereditary Cancer Syndrome; Neoplastic Syndromes, Hereditary; Hereditary neoplastic syndrome. Identifiers: Orphanet 140162, MedGen C0027672, MeSH D009386, MONDO:0015356.
Hereditary breast ovarian cancer syndrome. Also called: Breast and ovarian cancer; Hereditary breast and ovarian cancer; Hereditary breast and ovarian cancer syndrome; Hereditary breast and/or ovarian cancer syndrome; BRCA1- and BRCA2-Associated Hereditary Breast and Ovarian Cancer; Hereditary breast and ovarian cancer syndrome (HBOC). Identifiers: Orphanet 145, MedGen C0677776, MeSH D061325, MONDO:0003582. Disease mechanism: loss of function.
Breast-ovarian cancer, familial, susceptibility to, 1 (BROVCA1). Also called: BRCA1 Hereditary Breast and Ovarian Cancer; OVARIAN CANCER, SUSCEPTIBILITY TO. Identifiers: Orphanet 145, MedGen C2676676, MONDO:0011450, OMIM 604370. Disease mechanism: loss of function.

Allele frequency attached by ClinVar (database versions not stated): gnomAD exomes below 0.00001; gnomAD 0.00001.
gnomAD v4.1: 2 of 1,613,974 alleles (0.00012%); highest among the groups gnomAD compares: Admixed American, 0.0033%; no homozygotes.

Submissions (7):

Evidence-based Network for the Interpretation of Germline Mutant Alleles (ENIGMA)
Classification: Likely benign for Breast-ovarian cancer, familial, susceptibility to, 1. Last evaluated: 2017-06-29. Review status: reviewed by expert panel. Criteria: ENIGMA BRCA1/2 Classification Criteria (2017-06-29). Collection method: curation. Allele origin: germline.
Comment: Synonymous substitution variant, with low bioinformatic likelihood to result in a splicing aberration (Splicing prior probability 0.02).

Labcorp Genetics (formerly Invitae), Labcorp
Classification: Likely benign for Hereditary breast ovarian cancer syndrome. Last evaluated: 2026-01-20. Review status: criteria provided, single submitter. Criteria: Invitae Variant Classification Sherloc (09022015). Collection method: clinical testing. Allele origin: germline. Not counted in ClinVar's aggregate classification.

Women's Health and Genetics/Laboratory Corporation of America, LabCorp
Classification: Likely benign. Last evaluated: 2025-10-07. Review status: criteria provided, single submitter. Criteria: LabCorp Variant Classification Summary - May 2015. Collection method: clinical testing. Allele origin: germline. Not counted in ClinVar's aggregate classification.

Quest Diagnostics Nichols Institute San Juan Capistrano
Classification: Likely benign. Last evaluated: 2023-01-02. Review status: criteria provided, single submitter. Criteria: Quest Diagnostics criteria. Collection method: clinical testing. Allele origin: unknown. Not counted in ClinVar's aggregate classification.

Ambry Genetics
Classification: Likely benign for Hereditary cancer-predisposing syndrome. Last evaluated: 2021-05-21. Review status: criteria provided, single submitter. Criteria: Ambry Variant Classification Scheme 2023. Collection method: clinical testing. Allele origin: germline. Not counted in ClinVar's aggregate classification.

Color Diagnostics, LLC DBA Color Health
Classification: Likely benign for Hereditary cancer-predisposing syndrome. Last evaluated: 2018-03-07. Review status: criteria provided, single submitter. Criteria: ACMG Guidelines, 2015. Collection method: clinical testing. Allele origin: germline. Not counted in ClinVar's aggregate classification.

GeneDx
Classification: Likely benign. Last evaluated: 2016-04-12. Review status: criteria provided, single submitter. Criteria: GeneDx Variant Classification (06012015). Collection method: clinical testing. Allele origin: germline. Affected: yes. Not counted in ClinVar's aggregate classification.
Comment: This variant is considered likely benign or benign based on one or more of the following criteria: it is a conservative change, it occurs at a poorly conserved position in the protein, it is predicted to be benign by multiple in silico algorithms, and/or has population frequency not consistent with disease.

NM_007294.4(BRCA1):c.3573C>T (p.Ser1191=)

Genes: BRCA1 (BRCA1 DNA repair associated; minus strand), LOC126862571 (BRD4-independent group 4 enhancer GRCh37_chr17:41243136-41244335; plus strand). Cytogenetic location: 17q21.31.
Variant type: single nucleotide variant.
Coding change: c.3573C>T on transcript NM_007294.4 (MANE Select); coding-DNA position 3573, C replaced by T.
Protein change: p.Ser1191=; no amino-acid change (serine 1191 retained).
Molecular consequence: synonymous variant. On other transcripts: intron variant (135).
Genome position (GRCh38, 1-based): chr17:43,091,958, G>A on the plus strand (C>T on the coding strand, the complement: BRCA1 is on the minus strand). VCF-style: chr17-43091958-G-A. GRCh37 (hg19) VCF-style: chr17-41243975-G-A.
Other names: c.3360C>T, p.Ser1120= (NM_001407571.1, NM_001407853.1, NM_001407894.1 and 9 more transcripts); c.3573C>T, p.Ser1191= (NM_001407581.1, NM_001407582.1, NM_001407583.1 and 30 more transcripts); c.3570C>T, p.Ser1190= (NM_001407587.1, NM_001407590.1, NM_001407591.1 and 22 more transcripts); c.3564C>T, p.Ser1188= (NM_001407646.1, NM_001407647.1); c.3450C>T, p.Ser1150= (NM_001407648.1, NM_001407664.1, NM_001407665.1 and 19 more transcripts); c.3447C>T, p.Ser1149= (NM_001407649.1, NM_001407670.1, NM_001407671.1 and 11 more transcripts); c.3495C>T, p.Ser1165= (NM_001407653.1, NM_001407654.1, NM_001407655.1 and 4 more transcripts); c.3492C>T, p.Ser1164= (NM_001407659.1, NM_001407660.1, NM_001407661.1 and 1 more transcripts); and 41 more.
Identifiers: ClinVar variation 219423 (VCV000219423.21), dbSNP rs864622080, ClinGen allele CA350626.